The following is an entry in ClinVar:

NC_000016.9:g.(?_89576878)_(89579465_?)dup

Gene: SPG7 (SPG7 matrix AAA peptidase subunit, paraplegin; plus strand). Cytogenetic location: 16q24.3.
Variant type: Duplication.
Identifiers: ClinVar variation 584185 (VCV000584185.6).

ClinVar aggregate classification (germline): Pathogenic (1 of 4 stars; one submission).

Conditions:
Hereditary spastic paraplegia 7 (SPG7). Also called: SPG7-related neurologic disorder; SPASTIC PARAPLEGIA 7, AUTOSOMAL RECESSIVE, WITH OR WITHOUT CEREBELLAR ATAXIA; Spastic paraplegia 7; Hereditary spastic paraplegia Paraplegin type; Autosomal recessive spastic paraplegia type 7. Identifiers: Orphanet 99013, MedGen C1846564, MONDO:0011803, OMIM 607259.

Submission:

Labcorp Genetics (formerly Invitae), Labcorp
Classification: Pathogenic for Hereditary spastic paraplegia 7. Last evaluated: 2022-02-10. Review status: criteria provided, single submitter. Criteria: Invitae Variant Classification Sherloc (09022015). Collection method: clinical testing. Allele origin: germline.
Comment: This variant results in a copy number gain of the genomic region encompassing exon(s) 2-3 of the SPG7 gene. While the exact position of this variant cannot be determined from the data, sub-genic copy number gains are generally in tandem (PMID: 25640679). This variant is predicted to be out-of-frame, and may result in an absent or disrupted protein product. Loss-of-function variants in SPG7 are known to be pathogenic (PMID: 21623769, 22964162). For these reasons, this variant has been classified as Pathogenic. A similar copy number variant has been observed in individual(s) with clinical features of hereditary spastic paraplegia (Invitae). In at least one individual the data is consistent with being in trans (on the opposite chromosome) from a pathogenic variant.

Literature cited by the submitters: PubMed 25640679; PubMed 21623769; PubMed 22964162.